The following is an entry in ClinVar:

NM_025215.6(PUS1):c.1075G>A (p.Ala359Thr)

Gene: PUS1 (pseudouridine synthase 1; plus strand). Cytogenetic location: 12q24.33.
Variant type: single nucleotide variant.
Coding change: c.1075G>A on transcript NM_025215.6 (MANE Select); coding-DNA position 1075, G replaced by A.
Protein change: p.Ala359Thr; replaces alanine 359 with threonine.
Molecular consequence: missense variant.
Genome position (GRCh38, 1-based): chr12:131,941,822, G>A. VCF-style: chr12-131941822-G-A. GRCh37 (hg19) VCF-style: chr12-132426367-G-A.
Other names: p.Ala359Thr; c.991G>A, p.Ala331Thr (NM_001002019.3, NM_001002020.3); short protein forms A331T, A359T.
Identifiers: ClinVar variation 2683219 (VCV002683219.1), dbSNP rs771290692, ClinGen allele CA387299787.

ClinVar aggregate classification (germline): Uncertain significance (1 of 4 stars; one submission).

gnomAD v4.1: 1 of 1,613,994 alleles (0.000062%); highest among the groups gnomAD compares: Non-Finnish European, 0.000085%; no homozygotes.

Submission:

Mayo Clinic Laboratories, Mayo Clinic
Classification: Uncertain significance. Last evaluated: 2023-02-28. Review status: criteria provided, single submitter. Criteria: ACMG Guidelines, 2015. Collection method: clinical testing. Allele origin: germline. Observed: 1 variant allele.
Comment: BP4, PM2